The following is an entry in ClinVar:

NM_001127511.3(APC):c.-123C>G

Gene: APC (APC regulator of Wnt signaling pathway; plus strand). Cytogenetic location: 5q22.2.
Variant type: single nucleotide variant.
Coding change: c.-123C>G on transcript NM_001127511.3; 123 bases upstream of the start codon, C replaced by G.
Molecular consequence: 5 prime UTR variant. On other transcripts: non-coding transcript variant (2).
Genome position (GRCh38, 1-based): chr5:112,707,595, C>G. VCF-style: chr5-112707595-C-G. GRCh37 (hg19) VCF-style: chr5-112043292-C-G.
Other names: c.-306C>G (NM_001354895.2, NM_001407447.1, NM_001407452.1 and 3 more transcripts); c.-123C>G (NM_001354897.2, NM_001354902.2, NM_001407446.1); c.-73C>G (NM_001407448.1, NM_001407450.1, NM_001407457.1 and 1 more transcripts); c.-97C>G (NM_001407453.1); c.-1341C>G (NM_001407470.1, NM_001407472.1).
Identifiers: ClinVar variation 1493120 (VCV001493120.44), dbSNP rs185346146, ClinGen allele CA2573138783.

ClinVar aggregate classification (germline): Uncertain significance (1 of 4 stars; one submission).

Conditions:
Familial adenomatous polyposis 1 (FAP1). Also called: FAMILIAL ADENOMATOUS POLYPOSIS 1, ATTENUATED; POLYPOSIS, ADENOMATOUS INTESTINAL. Identifiers: MedGen C2713442, MONDO:0021056, OMIM 175100. Disease mechanism: loss of function.

Submission:

Labcorp Genetics (formerly Invitae), Labcorp
Classification: Uncertain significance for Familial adenomatous polyposis 1. Last evaluated: 2024-12-04. Review status: criteria provided, single submitter. Criteria: Invitae Variant Classification Sherloc (09022015). Collection method: clinical testing. Allele origin: germline.
Comment: This variant occurs in a non-coding region of the APC gene. It does not change the encoded amino acid sequence of the APC protein. This variant is not present in population databases (gnomAD no frequency). This variant has not been reported in the literature in individuals affected with APC-related conditions. In summary, the available evidence is currently insufficient to determine the role of this variant in disease. Therefore, it has been classified as a Variant of Uncertain Significance.